The following is an entry in ClinVar:

ClinVar aggregate classification (germline): Uncertain significance. Review status: criteria provided, multiple submitters, no conflicts (2 of 4 stars). 3 submissions from 3 submitters: Uncertain significance (3). Last evaluated 2024-08-13.

Conditions:
Hereditary cancer-predisposing syndrome. Also called: Hereditary Cancer Syndrome; Tumor predisposition; Hereditary neoplastic syndrome; Neoplastic Syndromes, Hereditary. Identifiers: Orphanet 140162, MedGen C0027672, MeSH D009386, MONDO:0015356.
Chuvash polycythemia. Also called: POLYCYTHEMIA, VHL-DEPENDENT. Identifiers: Orphanet 238557, MedGen C1837915, MONDO:0009892, OMIM 263400.
Von Hippel-Lindau syndrome (VHLS). Also called: Von Hippel-Lindau; von Hippel–Lindau syndrome; VHL syndrome. Identifiers: Orphanet 892, MedGen C0019562, MONDO:0008667, OMIM 193300. Disease mechanism: loss of function.

Submissions (3):

All of Us Research Program, National Institutes of Health
Classification: Uncertain significance for Von Hippel-Lindau syndrome. Last evaluated: 2024-08-13. Review status: criteria provided, single submitter. Criteria: ACMG Guidelines, 2015. Collection method: clinical testing. Allele origin: germline. Inheritance: Autosomal dominant inheritance. Observed: 1 variant allele, 1 heterozygote.
Comment: This variant causes a C to T nucleotide substitution at the +4 position of intron 1 of the VHL gene. Splice site prediction tools suggest that this variant may not impact RNA splicing. To our knowledge, functional studies have not been reported for this variant. This variant has not been reported in individuals affected with VHL-related disorders in the literature. This variant has not been identified in the general population by the Genome Aggregation Database (gnomAD). The available evidence is insufficient to determine the role of this variant in disease conclusively. Therefore, this variant is classified as a Variant of Uncertain Significance.

This study involves interpretation of variants in research participants for the purpose of population health screening. Participant phenotype was not available at the time of variant classification. Additional details can be found in publication PMID: 35346344, PMCID: PMC8962531

Ambry Genetics
Classification: Uncertain significance for Hereditary cancer-predisposing syndrome. Last evaluated: 2024-06-01. Review status: criteria provided, single submitter. Criteria: Ambry Variant Classification Scheme 2023. Collection method: clinical testing. Allele origin: germline.
Comment: The c.340+4C>T intronic variant results from a C to T substitution 4 nucleotides after coding exon 1 in the VHL gene. This nucleotide position is not well conserved in available vertebrate species. In silico splice site analysis predicts that this alteration will not have any significant effect on splicing. Based on the available evidence, the clinical significance of this variant remains unclear.

Labcorp Genetics (formerly Invitae), Labcorp
Classification: Uncertain significance for Von Hippel-Lindau syndrome; Chuvash polycythemia. Last evaluated: 2020-06-02. Review status: criteria provided, single submitter. Criteria: Invitae Variant Classification Sherloc (09022015). Collection method: clinical testing. Allele origin: germline.
Comment: In summary, the available evidence is currently insufficient to determine the role of this variant in disease. Therefore, it has been classified as a Variant of Uncertain Significance. Nucleotide substitutions within the consensus splice site are a relatively common cause of aberrant splicing (PMID: 17576681, 9536098). Algorithms developed to predict the effect of sequence changes on RNA splicing suggest that this variant is not likely to affect RNA splicing, but this prediction has not been confirmed by published transcriptional studies. This variant has not been reported in the literature in individuals with VHL-related conditions. This variant is not present in population databases (ExAC no frequency). This sequence change falls in intron 1 of the VHL gene. It does not directly change the encoded amino acid sequence of the VHL protein, but it affects a nucleotide within the consensus splice site of the intron.

Literature cited by the submitters: PubMed 17576681 (cited by Labcorp Genetics (formerly Invitae), Labcorp); PubMed 9536098 (cited by Labcorp Genetics (formerly Invitae), Labcorp).

NM_000551.4(VHL):c.340+4C>T

Gene: VHL (von Hippel-Lindau tumor suppressor; plus strand). Cytogenetic location: 3p25.3.
Variant type: single nucleotide variant.
Coding change: c.340+4C>T on transcript NM_000551.4 (MANE Select); 4 bases into the intron after coding-DNA position 340, C replaced by T.
Molecular consequence: intron variant.
Genome position (GRCh38, 1-based): chr3:10,142,191, C>T. VCF-style: chr3-10142191-C-T. GRCh37 (hg19) VCF-style: chr3-10183875-C-T.
Other names: c.340+4C>T (NM_001354723.2, NM_198156.3, NM_000551.3).
Identifiers: ClinVar variation 1055280 (VCV001055280.11), dbSNP rs2125125426, ClinGen allele CA2499216352.